The following is an entry in ClinVar:

NM_001369.3(DNAH5):c.2797dup (p.Ala933fs)

Genes: DNAH5 (dynein axonemal heavy chain 5; minus strand), DNAH5-AS1 (DNAH5 antisense RNA 1; plus strand). Cytogenetic location: 5p15.2.
Variant type: Duplication.
Coding change: c.2797dup on transcript NM_001369.3 (MANE Select); coding-DNA position 2797, one base duplicated (G; older notation c.2797dupG).
Protein change: p.Ala933fs; shifts the reading frame from alanine 933.
Molecular consequence: frameshift variant.
Genome position (GRCh38, 1-based): chr5:13,885,175, C duplicated on the plus strand (G on the coding strand, the reverse complement: DNAH5 is on the minus strand); the first of 3 consecutive C bases (chr5:13,885,175-13,885,177); duplicating any one gives the same sequence. VCF-style (leftmost placement, unchanged base first): chr5-13885174-G-GC. GRCh37 (hg19) VCF-style: chr5-13885283-G-GC.
Other names: short protein forms A933fs.
Identifiers: ClinVar variation 1299349 (VCV001299349.1), dbSNP rs2151941780, ClinGen allele CA2499217650.
Genomic context (GRCh38, chr5:13,885,174, plus strand): 5'-TCCCCTAACATCTCAGTTTCTTTCTTTTTCCTCGTGACTGTCGTCAAAAGCAGGGCATTG[G>GC]CCCTGGCATTAATAGATGATGTCAAGGTGTCAAAATTTCCTTCTTCTCTTTTTGCTGTTA-3'

ClinVar aggregate classification (germline): Likely pathogenic (1 of 4 stars; one submission).

Conditions:
Primary ciliary dyskinesia 3. Identifiers: Orphanet 244, MedGen C1837618, MONDO:0012085, OMIM 608644.

Submission:

Genetic Diagnostics Department, Viafet Genomics Laboratory
Classification: Likely pathogenic for Primary ciliary dyskinesia 3. Last evaluated: 2021-08-23. Review status: criteria provided, single submitter. Criteria: ACMG Guidelines, 2015. Collection method: clinical testing. Allele origin: germline. Inheritance: Autosomal recessive inheritance. Affected: no. Observed: 1 variant allele, 1 heterozygote.
Comment: This variant is present in exon 19/79 in the only transcript of this gene. Several loss-of-function variants are reported as disease-causing in HGMD and/or ClinVar after this position.